The following is an entry in ClinVar:

ClinVar aggregate classification (germline): Likely benign. Review status: criteria provided, multiple submitters, no conflicts (2 of 4 stars). 3 submissions from 3 submitters: Likely benign (3). Last evaluated 2024-11-19.

Conditions:
Cardiovascular phenotype. Identifiers: MedGen CN230736.
Autosomal recessive limb-girdle muscular dystrophy type 2J (LGMDR10). Also called: MUSCULAR DYSTROPHY, LIMB-GIRDLE, AUTOSOMAL RECESSIVE 10; Limb-girdle muscular dystrophy, type 2J. Identifiers: Orphanet 140922, MedGen C1837342, MONDO:0012127, OMIM 608807.
Dilated cardiomyopathy 1G (CMD1G). Identifiers: Orphanet 154, MedGen C1858763, MONDO:0011400, OMIM 604145.

Allele frequency attached by ClinVar (database versions not stated): gnomAD exomes below 0.00001 and 0.00001; TOPMed below 0.00001; gnomAD 0.00001; ExAC 0.00002.
gnomAD v4.1: 4 of 1,612,098 alleles (0.00025%); highest among the groups gnomAD compares: African/African-American, 0.0027%; no homozygotes.

Submissions (3):

Labcorp Genetics (formerly Invitae), Labcorp
Classification: Likely benign for Dilated cardiomyopathy 1G; Autosomal recessive limb-girdle muscular dystrophy type 2J. Last evaluated: 2024-11-19. Review status: criteria provided, single submitter. Criteria: Invitae Variant Classification Sherloc (09022015). Collection method: clinical testing. Allele origin: germline.

Ambry Genetics
Classification: Likely benign for Cardiovascular phenotype. Last evaluated: 2021-04-01. Review status: criteria provided, single submitter. Criteria: Ambry Variant Classification Scheme 2023. Collection method: clinical testing. Allele origin: germline.

GeneDx
Classification: Likely benign. Last evaluated: 2017-11-15. Review status: criteria provided, single submitter. Criteria: GeneDx Variant Classification (06012015). Collection method: clinical testing. Allele origin: germline. Affected: yes.
Comment: This variant is considered likely benign or benign based on one or more of the following criteria: it is a conservative change, it occurs at a poorly conserved position in the protein, it is predicted to be benign by multiple in silico algorithms, and/or has population frequency not consistent with disease.

NM_001267550.2(TTN):c.52596T>C (p.Asp17532=)

Genes: TTN-AS1 (TTN antisense RNA 1; plus strand), TTN (titin; minus strand), LOC126806425 (BRD4-independent group 4 enhancer GRCh37_chr2:179471933-179473132; plus strand). Cytogenetic location: 2q31.2.
Variant type: single nucleotide variant.
Coding change: c.52596T>C on transcript NM_001267550.2 (MANE Select); coding-DNA position 52596, T replaced by C.
Protein change: p.Asp17532=; no amino-acid change (aspartic acid 17532 retained).
Molecular consequence: synonymous variant.
Genome position (GRCh38, 1-based): chr2:178,608,287, A>G on the plus strand (T>C on the coding strand, the complement: TTN is on the minus strand). VCF-style: chr2-178608287-A-G. GRCh37 (hg19) VCF-style: chr2-179473014-A-G.
Other names: c.47673T>C, p.Asp15891= (NM_001256850.1); c.25401T>C, p.Asp8467= (NM_003319.4); c.44892T>C, p.Asp14964= (NM_133378.4); c.25776T>C, p.Asp8592= (NM_133432.3); c.25977T>C, p.Asp8659= (NM_133437.4).
Identifiers: ClinVar variation 513468 (VCV000513468.12), dbSNP rs761084280, ClinGen allele CA1993966.